The following is an entry in ClinVar:

ClinVar aggregate classification (germline): Uncertain significance. Review status: criteria provided, multiple submitters, no conflicts (2 of 4 stars). 2 submissions from 2 submitters: Uncertain significance (2). Last evaluated 2024-06-12.

Allele frequency attached by ClinVar (database versions not stated): gnomAD 0.00006; TOPMed 0.00006; ESP Exome Variant Server 0.00008.
gnomAD v4.1: 169 of 1,613,632 alleles (0.01%); highest among the groups gnomAD compares: Middle Eastern, 0.082%; no homozygotes.

Submissions (2):

Labcorp Genetics (formerly Invitae), Labcorp
Classification: Uncertain significance. Last evaluated: 2024-06-12. Review status: criteria provided, single submitter. Criteria: Invitae Variant Classification Sherloc (09022015). Collection method: clinical testing. Allele origin: germline.
Comment: This sequence change replaces arginine, which is basic and polar, with glutamine, which is neutral and polar, at codon 1899 of the FBN3 protein (p.Arg1899Gln). This variant is present in population databases (rs374720282, gnomAD 0.01%). This variant has not been reported in the literature in individuals affected with FBN3-related conditions. Advanced modeling of protein sequence and biophysical properties (such as structural, functional, and spatial information, amino acid conservation, physicochemical variation, residue mobility, and thermodynamic stability) performed at Invitae indicates that this missense variant is not expected to disrupt FBN3 protein function with a negative predictive value of 80%. Algorithms developed to predict the effect of sequence changes on RNA splicing suggest that this variant may disrupt the consensus splice site. In summary, the available evidence is currently insufficient to determine the role of this variant in disease. Therefore, it has been classified as a Variant of Uncertain Significance.

Ambry Genetics
Classification: Uncertain significance. Last evaluated: 2023-11-21. Review status: criteria provided, single submitter. Criteria: Ambry Variant Classification Scheme 2023. Collection method: clinical testing. Allele origin: germline.

NM_032447.5(FBN3):c.5696G>A (p.Arg1899Gln)

Gene: FBN3 (fibrillin 3; minus strand). Cytogenetic location: 19p13.2.
Variant type: single nucleotide variant.
Coding change: c.5696G>A on transcript NM_032447.5 (MANE Select); coding-DNA position 5696, G replaced by A.
Protein change: p.Arg1899Gln; replaces arginine 1899 with glutamine.
Molecular consequence: missense variant.
Genome position (GRCh38, 1-based): chr19:8,095,464, C>T on the plus strand (G>A on the coding strand, the complement: FBN3 is on the minus strand). VCF-style: chr19-8095464-C-T. GRCh37 (hg19) VCF-style: chr19-8160348-C-T.
Other names: c.5696G>A, p.Arg1899Gln (NM_001321431.2); short protein forms R1899Q.
Identifiers: ClinVar variation 3093394 (VCV003093394.2), dbSNP rs374720282, ClinGen allele CA9151564.